The following is an entry in ClinVar:

NM_004260.4(RECQL4):c.305_310dup (p.Val102_Pro103dup)

Gene: RECQL4 (RecQ like helicase 4; minus strand). Cytogenetic location: 8q24.3.
Variant type: Duplication.
Coding change: c.305_310dup on transcript NM_004260.4 (MANE Select); coding-DNA positions 305 to 310, 6 bases duplicated (TGCCGG; older notation c.305_310dupTGCCGG).
Protein change: p.Val102_Pro103dup.
Molecular consequence: inframe insertion.
Genome position (GRCh38, 1-based): chr8:144,517,094-144,517,099, CCGGCA duplicated on the plus strand (TGCCGG on the coding strand, the reverse complement: RECQL4 is on the minus strand); duplicating any 6 consecutive bases within chr8:144,517,094-144,517,102 gives the same sequence; the c. name uses the placement nearest the transcript's 3' end. VCF-style (leftmost placement, unchanged base first): chr8-144517093-T-TCCGGCA. GRCh37 (hg19) VCF-style: chr8-145742477-T-TCCGGCA.
Identifiers: ClinVar variation 841829 (VCV000841829.6), dbSNP rs1362235551, ClinGen allele CA586165582.

ClinVar aggregate classification (germline): Uncertain significance (1 of 4 stars; one submission).

Conditions:
Baller-Gerold syndrome (BGS). Also called: CRANIOSYNOSTOSIS WITH RADIAL DEFECTS. Identifiers: Orphanet 1225, MedGen C0265308, MONDO:0009039, OMIM 218600.

Submission:

Labcorp Genetics (formerly Invitae), Labcorp
Classification: Uncertain significance for Baller-Gerold syndrome. Last evaluated: 2024-04-10. Review status: criteria provided, single submitter. Criteria: Invitae Variant Classification Sherloc (09022015). Collection method: clinical testing. Allele origin: germline.
Comment: This variant, c.305_310dup, results in the insertion of 2 amino acid(s) of the RECQL4 protein (p.Val102_Pro103dup), but otherwise preserves the integrity of the reading frame. This variant is present in population databases (no rsID available, gnomAD 0.0009%). This variant has not been reported in the literature in individuals affected with RECQL4-related conditions. ClinVar contains an entry for this variant (Variation ID: 841829). Experimental studies and prediction algorithms are not available or were not evaluated, and the functional significance of this variant is currently unknown. In summary, the available evidence is currently insufficient to determine the role of this variant in disease. Therefore, it has been classified as a Variant of Uncertain Significance.